The following is an entry in ClinVar:

ClinVar aggregate classification (germline): Uncertain significance (1 of 4 stars; one submission).

Conditions:
Kleefstra syndrome 1 (KLEFS1). Identifiers: Orphanet 261494, MedGen C0795833, MONDO:0027407, OMIM 610253.

Submission:

Labcorp Genetics (formerly Invitae), Labcorp
Classification: Uncertain significance for Kleefstra syndrome 1. Last evaluated: 2021-07-30. Review status: criteria provided, single submitter. Criteria: Invitae Variant Classification Sherloc (09022015). Collection method: clinical testing. Allele origin: germline.
Comment: In summary, the available evidence is currently insufficient to determine the role of this variant in disease. Therefore, it has been classified as a Variant of Uncertain Significance. Algorithms developed to predict the effect of missense changes on protein structure and function (SIFT, PolyPhen-2, Align-GVGD) all suggest that this variant is likely to be disruptive. This variant has not been reported in the literature in individuals affected with EHMT1-related conditions. This variant is not present in population databases (ExAC no frequency). This sequence change replaces threonine with serine at codon 1150 of the EHMT1 protein (p.Thr1150Ser). The threonine residue is highly conserved and there is a small physicochemical difference between threonine and serine.

NM_024757.5(EHMT1):c.3449C>G (p.Thr1150Ser)

Gene: EHMT1 (euchromatic histone lysine methyltransferase 1; plus strand). Cytogenetic location: 9q34.3.
Variant type: single nucleotide variant.
Coding change: c.3449C>G on transcript NM_024757.5 (MANE Select); coding-DNA position 3449, C replaced by G.
Protein change: p.Thr1150Ser; replaces threonine 1150 with serine.
Molecular consequence: missense variant.
Genome position (GRCh38, 1-based): chr9:137,817,513, C>G. VCF-style: chr9-137817513-C-G. GRCh37 (hg19) VCF-style: chr9-140711965-C-G.
Other names: c.3428C>G, p.Thr1143Ser (NM_001354263.2); short protein forms T1150S, T1143S.
Identifiers: ClinVar variation 1508815 (VCV001508815.6), dbSNP rs2132793758, ClinGen allele CA375773098.
Genomic context (GRCh38, chr9:137,817,513, plus strand): 5'-TCTACCGGACGCGGGACATGGGCTGGGGCGTGCGGTCCCTGCAGGACATCCCACCAGGCA[C>G]CTTTGTCTGCGAGTGAGTGAGTCCCTGGGTCACCCCAAGCCTGGTGTCATTTCTGGGACG-3'
Protein context (NP_079033.4, residues 1140-1160): VRSLQDIPPG[Thr1150Ser]FVCEYVGELI